The following is an entry in ClinVar:

ClinVar aggregate classification (germline): Benign/Likely benign. Review status: criteria provided, multiple submitters, no conflicts (2 of 4 stars). 6 submissions from 6 submitters: Benign (4); Likely benign (1). 1 of the submissions does not count toward it. Last evaluated 2026-01-26.

Conditions:
Emery-Dreifuss muscular dystrophy 5, autosomal dominant (EDMD5). Also called: EMERY-DREIFUSS MUSCULAR DYSTROPHY 5. Identifiers: Orphanet 261, MedGen C2751805, MONDO:0013072, OMIM 612999.

Allele frequency attached by ClinVar (database versions not stated): gnomAD exomes 0.00049 and 0.00125; ExAC 0.00153; 1000 Genomes Project 0.00439; gnomAD 0.00527 and 0.00566; ESP Exome Variant Server 0.00554; 1000 Genomes Project 30x 0.00593; TOPMed 0.00604.
gnomAD v4.1: 1,536 of 1,614,216 alleles (0.095%); highest among the groups gnomAD compares: African/African-American, 1.9%; 15 homozygotes.

Submissions (6):

Labcorp Genetics (formerly Invitae), Labcorp
Classification: Benign for Emery-Dreifuss muscular dystrophy 5, autosomal dominant. Last evaluated: 2026-01-26. Review status: criteria provided, single submitter. Criteria: Invitae Variant Classification Sherloc (09022015). Collection method: clinical testing. Allele origin: germline.

Blueprint Genetics
Classification: Likely benign. Last evaluated: 2024-11-26. Review status: criteria provided, single submitter. Criteria: ACMG Guidelines, 2015. Collection method: clinical testing. Allele origin: germline.

Illumina Laboratory Services, Illumina
Classification: Benign for Emery-Dreifuss muscular dystrophy 5, autosomal dominant. Last evaluated: 2018-01-13. Review status: criteria provided, single submitter. Criteria: ICSL Variant Classification Criteria 13 December 2019. Collection method: clinical testing. Allele origin: germline.
Comment: This variant was observed in the ICSL laboratory as part of a predisposition screen in an ostensibly healthy population. It had not been previously curated by ICSL or reported in the Human Gene Mutation Database (HGMD: prior to June 1st, 2018), and was therefore a candidate for classification through an automated scoring system. Utilizing variant allele frequency, disease prevalence and penetrance estimates, and inheritance mode, an automated score was calculated to assess if this variant is too frequent to cause the disease. Based on the score and internal cut-off values, a variant classified as benign is not then subjected to further curation. The score for this variant resulted in a classification of benign for this disease.

Athena Diagnostics
Classification: Benign. Last evaluated: 2017-09-27. Review status: criteria provided, single submitter. Criteria: Athena Diagnostics Criteria. Collection method: clinical testing. Allele origin: germline.

Breakthrough Genomics
Classification: Benign. Review status: criteria provided, single submitter. Criteria: ACMG Guidelines, 2015. Collection method: not provided. Allele origin: germline. Inheritance: Autosomal dominant inheritance. Affected: yes.

Genetic Services Laboratory, University of Chicago
Classification: Likely benign for AllHighlyPenetrant. Review status: no assertion criteria provided. Collection method: clinical testing. Allele origin: germline. Inheritance: Autosomal dominant inheritance. Not counted in ClinVar's aggregate classification.
Comment: Likely benign based on allele frequency in 1000 Genomes Project or ESP global frequency and its presence in a patient with a rare or unrelated disease phenotype. NOT Sanger confirmed.

NM_182914.3(SYNE2):c.14430A>G (p.Thr4810=)

Gene: SYNE2 (spectrin repeat containing nuclear envelope protein 2; plus strand). Cytogenetic location: 14q23.2.
Variant type: single nucleotide variant.
Coding change: c.14430A>G on transcript NM_182914.3 (MANE Select); coding-DNA position 14430, A replaced by G.
Protein change: p.Thr4810=; no amino-acid change (threonine 4810 retained).
Molecular consequence: synonymous variant.
Genome position (GRCh38, 1-based): chr14:64,132,354, A>G. VCF-style: chr14-64132354-A-G. GRCh37 (hg19) VCF-style: chr14-64599072-A-G.
Other names: c.14430A>G, p.Thr4810= (NM_015180.6).
Identifiers: ClinVar variation 130474 (VCV000130474.24), dbSNP rs34248042, ClinGen allele CA155536.